The following is an entry in ClinVar:

NM_000179.3(MSH6):c.2320C>A (p.Leu774Ile)

Gene: MSH6 (mutS homolog 6; plus strand). Cytogenetic location: 2p16.3.
Variant type: single nucleotide variant.
Coding change: c.2320C>A on transcript NM_000179.3 (MANE Select); coding-DNA position 2320, C replaced by A.
Protein change: p.Leu774Ile; replaces leucine 774 with isoleucine.
Molecular consequence: missense variant. On other transcripts: non-coding transcript variant (5), intron variant (3).
Genome position (GRCh38, 1-based): chr2:47,800,303, C>A. VCF-style: chr2-47800303-C-A. GRCh37 (hg19) VCF-style: chr2-48027442-C-A.
Other names: c.1930C>A, p.Leu644Ile (NM_001281492.2); c.1414C>A, p.Leu472Ile (NM_001281493.2, NM_001281494.2, NM_001406811.1 and 6 more transcripts); c.2416C>A, p.Leu806Ile (NM_001406795.1, NM_001406802.1); c.2320C>A, p.Leu774Ile (NM_001406796.1, NM_001406798.1, NM_001406800.1 and 2 more transcripts); c.2023C>A, p.Leu675Ile (NM_001406797.1, NM_001406801.1, NM_001406805.1 and 10 more transcripts); c.1795C>A, p.Leu599Ile (NM_001406799.1, NM_001406806.1, NM_001406807.1); c.2242C>A, p.Leu748Ile (NM_001406804.1); c.2326C>A, p.Leu776Ile (NM_001406813.1); and 4 more; short protein forms L472I, L599I, L644I, L675I, L718I, L748I, L774I, L776I.
Identifiers: ClinVar variation 4860399 (VCV004860399.1).

ClinVar aggregate classification (germline): Uncertain significance (1 of 4 stars; one submission).

Conditions:
Hereditary cancer-predisposing syndrome. Also called: Neoplastic Syndromes, Hereditary; Tumor predisposition; Hereditary Cancer Syndrome; Hereditary neoplastic syndrome. Identifiers: Orphanet 140162, MedGen C0027672, MeSH D009386, MONDO:0015356.

Submission:

Ambry Genetics
Classification: Uncertain significance for Hereditary cancer-predisposing syndrome. Last evaluated: 2026-04-24. Review status: criteria provided, single submitter. Criteria: Ambry Variant Classification Scheme 2023. Collection method: clinical testing. Allele origin: germline.
Comment: The p.L774I variant (also known as c.2320C>A), located in coding exon 4 of the MSH6 gene, results from a C to A substitution at nucleotide position 2320. The leucine at codon 774 is replaced by isoleucine, an amino acid with highly similar properties. This amino acid position is highly conserved in available vertebrate species. In addition, this alteration is predicted to be deleterious by in silico analysis. Based on the available evidence, the clinical significance of this variant remains unclear.